The following is an entry in ClinVar:

NM_000038.6(APC):c.2209T>C (p.Tyr737His)

Gene: APC (APC regulator of Wnt signaling pathway; plus strand). Cytogenetic location: 5q22.2.
Variant type: single nucleotide variant.
Coding change: c.2209T>C on transcript NM_000038.6 (MANE Select); coding-DNA position 2209, T replaced by C.
Protein change: p.Tyr737His; replaces tyrosine 737 with histidine.
Molecular consequence: missense variant.
Genome position (GRCh38, 1-based): chr5:112,837,803, T>C. VCF-style: chr5-112837803-T-C. GRCh37 (hg19) VCF-style: chr5-112173500-T-C.
Other names: c.2209T>C, p.Tyr737His (NM_001127510.3, NM_001354895.2); c.2155T>C, p.Tyr719His (NM_001127511.3); c.2263T>C, p.Tyr755His (NM_001354896.2); c.2239T>C, p.Tyr747His (NM_001354897.2); c.2134T>C, p.Tyr712His (NM_001354898.2); c.2125T>C, p.Tyr709His (NM_001354899.2); c.2086T>C, p.Tyr696His (NM_001354900.2); c.2032T>C, p.Tyr678His (NM_001354901.2); and 5 more; short protein forms Y719H, Y737H, Y678H, Y696H, Y709H, Y712H, Y755H, Y646H.
Identifiers: ClinVar variation 418611 (VCV000418611.24), dbSNP rs748868815, ClinGen allele CA031174.

ClinVar aggregate classification (germline): Conflicting classifications of pathogenicity. Review status: criteria provided, conflicting classifications (1 of 4 stars). 5 submissions from 5 submitters: Uncertain significance (3); Likely benign (2). Last evaluated 2026-01-11.

Conditions:
Classic or attenuated familial adenomatous polyposis. Identifiers: MedGen CN372698, MONDO:0021057.
Familial adenomatous polyposis 1 (FAP1). Also called: FAMILIAL ADENOMATOUS POLYPOSIS 1, ATTENUATED; POLYPOSIS, ADENOMATOUS INTESTINAL. Identifiers: MedGen C2713442, MONDO:0021056, OMIM 175100. Disease mechanism: loss of function.
Hereditary cancer-predisposing syndrome. Also called: Hereditary neoplastic syndrome; Tumor predisposition; Neoplastic Syndromes, Hereditary; Hereditary Cancer Syndrome. Identifiers: Orphanet 140162, MedGen C0027672, MeSH D009386, MONDO:0015356.

Allele frequency attached by ClinVar (database versions not stated): gnomAD below 0.00001 and 0.00001; gnomAD exomes 0.00001 and 0.00002; ExAC 0.00002.
gnomAD v4.1: 13 of 1,613,886 alleles (0.00081%); highest among the groups gnomAD compares: South Asian, 0.014%; no homozygotes.

Submissions (5):

Labcorp Genetics (formerly Invitae), Labcorp
Classification: Uncertain significance for Familial adenomatous polyposis 1. Last evaluated: 2026-01-11. Review status: criteria provided, single submitter. Criteria: Invitae Variant Classification Sherloc (09022015). Collection method: clinical testing. Allele origin: germline.
Comment: This sequence change replaces tyrosine, which is neutral and polar, with histidine, which is basic and polar, at codon 737 of the APC protein (p.Tyr737His). This variant is present in population databases (rs748868815, gnomAD 0.01%). This missense change has been observed in individual(s) with breast cancer and/or colon cancer (PMID: 27978560, 29684080). ClinVar contains an entry for this variant (Variation ID: 418611). Invitae Evidence Modeling of protein sequence and biophysical properties (such as structural, functional, and spatial information, amino acid conservation, physicochemical variation, residue mobility, and thermodynamic stability) indicates that this missense variant is not expected to disrupt APC protein function with a negative predictive value of 95%. In summary, the available evidence is currently insufficient to determine the role of this variant in disease. Therefore, it has been classified as a Variant of Uncertain Significance.

Color Diagnostics, LLC DBA Color Health
Classification: Likely benign for Hereditary cancer-predisposing syndrome. Last evaluated: 2024-11-26. Review status: criteria provided, single submitter. Criteria: ACMG Guidelines, 2015. Collection method: clinical testing. Allele origin: germline.

GeneDx
Classification: Uncertain significance. Last evaluated: 2024-05-01. Review status: criteria provided, single submitter. Criteria: GeneDx Variant Classification Process June 2021. Collection method: clinical testing. Allele origin: germline. Affected: yes.
Comment: Not observed at significant frequency in large population cohorts (gnomAD); In silico analysis supports that this missense variant has a deleterious effect on protein structure/function; Observed in individuals with rectal and/or breast cancer (PMID: 27978560, 25186627, 29684080); This variant is associated with the following publications: (PMID: 27978560, 29684080, 25186627, 18199528)

All of Us Research Program, National Institutes of Health
Classification: Uncertain significance for Classic or attenuated familial adenomatous polyposis. Last evaluated: 2024-01-05. Review status: criteria provided, single submitter. Criteria: ACMG Guidelines, 2015. Collection method: clinical testing. Allele origin: germline. Inheritance: Autosomal dominant inheritance. Observed: 2 variant alleles, 2 heterozygotes.
Comment: This missense variant replaces tyrosine with histidine at codon 737 of the APC protein. Computational prediction suggests that this variant may not impact protein structure and function (internally defined REVEL score threshold <= 0.5, PMID: 27666373). To our knowledge, functional studies have not been reported for this variant. This variant has been reported in individuals affected with breast cancer (PMID: 29684080) and rectal cancer (PMID: 27978560). This variant has been identified in 4/250094 chromosomes in the general population by the Genome Aggregation Database (gnomAD). The available evidence is insufficient to determine the role of this variant in disease conclusively. Therefore, this variant is classified as a Variant of Uncertain Significance.

This study involves interpretation of variants in research participants for the purpose of population health screening. Participant phenotype was not available at the time of variant classification. Additional details can be found in publication PMID: 35346344, PMCID: PMC8962531

Ambry Genetics
Classification: Likely benign for Hereditary cancer-predisposing syndrome. Last evaluated: 2023-12-05. Review status: criteria provided, single submitter. Criteria: Ambry Variant Classification Scheme 2023. Collection method: clinical testing. Allele origin: germline.

Literature cited by the submitters: PubMed 27978560 (cited by 3 submitters); PubMed 29684080 (cited by 3 submitters); PubMed 25186627 (cited by Ambry Genetics).